The following is an entry in ClinVar:

ClinVar aggregate classification (germline): Uncertain significance (1 of 4 stars; one submission).

Conditions:
Cardiovascular phenotype. Identifiers: MedGen CN230736.

Submission:

Ambry Genetics
Classification: Uncertain significance for Cardiovascular phenotype. Last evaluated: 2024-10-27. Review status: criteria provided, single submitter. Criteria: Ambry Variant Classification Scheme 2023. Collection method: clinical testing. Allele origin: germline.
Comment: The p.I3835V variant (also known as c.11503A>G), located in coding exon 26 of the APOB gene, results from an A to G substitution at nucleotide position 11503. The isoleucine at codon 3835 is replaced by valine, an amino acid with highly similar properties. This amino acid position is conserved. In addition, this alteration is predicted to be tolerated by in silico analysis. Based on the available evidence, the clinical significance of this variant remains unclear.

NM_000384.3(APOB):c.11503A>G (p.Ile3835Val)

Gene: APOB (apolipoprotein B; minus strand). Cytogenetic location: 2p24.1.
Variant type: single nucleotide variant.
Coding change: c.11503A>G on transcript NM_000384.3 (MANE Select); coding-DNA position 11503, A replaced by G.
Protein change: p.Ile3835Val; replaces isoleucine 3835 with valine.
Molecular consequence: missense variant.
Genome position (GRCh38, 1-based): chr2:21,005,365, T>C on the plus strand (A>G on the coding strand, the complement: APOB is on the minus strand). VCF-style: chr2-21005365-T-C. GRCh37 (hg19) VCF-style: chr2-21228237-T-C.
Other names: short protein forms I3835V.
Identifiers: ClinVar variation 3416283 (VCV003416283.1).